The following is an entry in ClinVar:

NM_001943.5(DSG2):c.81+108C>T

Gene: DSG2 (desmoglein 2; plus strand). Cytogenetic location: 18q12.1.
Variant type: single nucleotide variant.
Coding change: c.81+108C>T on transcript NM_001943.5 (MANE Select); 108 bases into the intron after coding-DNA position 81, C replaced by T.
Molecular consequence: intron variant.
Genome position (GRCh38, 1-based): chr18:31,518,382, C>T. VCF-style: chr18-31518382-C-T. GRCh37 (hg19) VCF-style: chr18-29098345-C-T.
Identifiers: ClinVar variation 671013 (VCV000671013.2), dbSNP rs9807377, ClinGen allele CA15920060.

ClinVar aggregate classification (germline): Benign. Review status: criteria provided, multiple submitters, no conflicts (2 of 4 stars). 2 submissions from 2 submitters: Benign (2). Last evaluated 2018-06-14.

Allele frequency attached by ClinVar (database versions not stated): 1000 Genomes Project 30x 0.21580; 1000 Genomes Project 0.21985; TOPMed 0.22594; gnomAD 0.23214 and 0.23391; gnomAD exomes 0.26849.
gnomAD v4.1: 242,890 of 926,172 alleles (26%); highest among the groups gnomAD compares: East Asian, 32%; 33,222 homozygotes.

Submissions (2):

GeneDx
Classification: Benign. Last evaluated: 2018-06-14. Review status: criteria provided, single submitter. Criteria: GeneDx Variant Classification (06012015). Collection method: clinical testing. Allele origin: germline. Affected: yes.
Comment: This variant is considered likely benign or benign based on one or more of the following criteria: it is a conservative change, it occurs at a poorly conserved position in the protein, it is predicted to be benign by multiple in silico algorithms, and/or has population frequency not consistent with disease.

Breakthrough Genomics
Classification: Benign. Review status: criteria provided, single submitter. Criteria: ACMG Guidelines, 2015. Collection method: not provided. Allele origin: germline. Inheritance: Autosomal recessive inheritance. Affected: yes.